The following is an entry in ClinVar:

NM_000334.4(SCN4A):c.181G>A (p.Gly61Ser)

Gene: SCN4A (sodium voltage-gated channel alpha subunit 4; minus strand). Cytogenetic location: 17q23.3.
Variant type: single nucleotide variant.
Coding change: c.181G>A on transcript NM_000334.4 (MANE Select); coding-DNA position 181, G replaced by A.
Protein change: p.Gly61Ser; replaces glycine 61 with serine.
Molecular consequence: missense variant.
Genome position (GRCh38, 1-based): chr17:63,972,661, C>T on the plus strand (G>A on the coding strand, the complement: SCN4A is on the minus strand). VCF-style: chr17-63972661-C-T. GRCh37 (hg19) VCF-style: chr17-62050021-C-T.
Other names: short protein forms G61S.
Identifiers: ClinVar variation 1374656 (VCV001374656.8), dbSNP rs759771825, ClinGen allele CA8710262.
Genomic context (GRCh38, chr17:63,972,661, plus strand): 5'-CCAGGGGGATGCCGATGACCTCCGGCGGGGGGTCTCCGTAGATCATGGGTAGGTTCTTGC[C>T]AGCCTCCAAGTCACTTCGTGGCTTCCGTTCGGGCTCCTCAATCTCCATCTGCTTATTCCG-3'
Protein context (NP_000325.4, residues 51-71): ERKPRSDLEA[Gly61Ser]KNLPMIYGDP

ClinVar aggregate classification (germline): Uncertain significance. Review status: criteria provided, multiple submitters, no conflicts (2 of 4 stars). 2 submissions from 2 submitters: Uncertain significance (2). Last evaluated 2025-04-11.

Conditions:
Paramyotonia congenita of Von Eulenburg. Also called: PARALYSIS PERIODICA PARAMYOTONICA; Paramyotonia Congenita; Eulenburg disease; Myotonia congenita intermittens; Von Eulenburg paramyotonia congenita. Identifiers: Orphanet 684, MedGen C0221055, MONDO:0008195, OMIM 168300. Disease mechanism: loss of function.
Congenital myasthenic syndrome 16. Identifiers: Orphanet 590, MedGen C3280112, MONDO:0013620, OMIM 614198.
Potassium-aggravated myotonia. Also called: MYOTONIA CONGENITA, ACETAZOLAMIDE-RESPONSIVE; MYOTONIA CONGENITA, ATYPICAL; SODIUM CHANNEL MUSCLE DISEASE; Myotonia congenita, atypical, acetazolamide-responsive. Identifiers: Orphanet 612, Orphanet 99734, Orphanet 99735, Orphanet 99736, MedGen C2931826, MONDO:0018959, OMIM 608390.
Hypokalemic periodic paralysis, type 2 (HOKPP2). Identifiers: Orphanet 681, MedGen C2750061, MONDO:0013234, OMIM 613345.
Hyperkalemic periodic paralysis. Also called: Familial hyperkalemic periodic paralysis; Gamstorp disease. Identifiers: Orphanet 682, MedGen C0238357, MONDO:0008224, OMIM 170500, HP:0007215.
Congenital myopathy 22A, classic (CMYO22A). Identifiers: MedGen C5830453, MONDO:0957247, OMIM 620351.
Congenital myopathy 22B, severe fetal (CMYO22B). Identifiers: MedGen C5830501, MONDO:0957265, OMIM 620369.

Allele frequency attached by ClinVar (database versions not stated): TOPMed below 0.00001; ExAC 0.00001; gnomAD exomes 0.00002.
gnomAD v4.1: 6 of 1,613,136 alleles (0.00037%); highest among the groups gnomAD compares: Admixed American, 0.0083%; no homozygotes.

Submissions (2):

Labcorp Genetics (formerly Invitae), Labcorp
Classification: Uncertain significance for Hyperkalemic periodic paralysis. Last evaluated: 2025-04-11. Review status: criteria provided, single submitter. Criteria: Invitae Variant Classification Sherloc (09022015). Collection method: clinical testing. Allele origin: germline.
Comment: This sequence change replaces glycine, which is neutral and non-polar, with serine, which is neutral and polar, at codon 61 of the SCN4A protein (p.Gly61Ser). This variant is present in population databases (rs759771825, gnomAD 0.01%). This variant has not been reported in the literature in individuals affected with SCN4A-related conditions. ClinVar contains an entry for this variant (Variation ID: 1374656). Invitae Evidence Modeling of protein sequence and biophysical properties (such as structural, functional, and spatial information, amino acid conservation, physicochemical variation, residue mobility, and thermodynamic stability) indicates that this missense variant is expected to disrupt SCN4A protein function with a positive predictive value of 80%. In summary, the available evidence is currently insufficient to determine the role of this variant in disease. Therefore, it has been classified as a Variant of Uncertain Significance.

Fulgent Genetics
Classification: Uncertain significance for Paramyotonia congenita of Von Eulenburg; Hyperkalemic periodic paralysis; Potassium-aggravated myotonia; Hypokalemic periodic paralysis, type 2; Congenital myasthenic syndrome 16; Congenital myopathy 22A, classic; Congenital myopathy 22B, severe fetal. Last evaluated: 2024-03-06. Review status: criteria provided, single submitter. Criteria: ACMG Guidelines, 2015. Collection method: clinical testing. Allele origin: germline.